The following is an entry in ClinVar:

ClinVar aggregate classification (germline): Conflicting classifications of pathogenicity. Review status: criteria provided, conflicting classifications (1 of 4 stars). 5 submissions from 5 submitters: Uncertain significance (3); Benign (1); Likely benign (1). Last evaluated 2026-04-12.

Conditions:
WFS1-related disorder. Identifiers: MedGen CN379391, MONDO:0700293.
Wolfram syndrome 1 (WFS1). Identifiers: Orphanet 3463, MedGen C4551693, MONDO:0009101, OMIM 222300.

Allele frequency attached by ClinVar (database versions not stated): TOPMed 0.00002; ExAC below 0.00001; gnomAD 0.00001.
gnomAD v4.1: 17 of 1,583,128 alleles (0.0011%); highest among the groups gnomAD compares: Middle Eastern, 0.017%; no homozygotes.

Submissions (5):

PreventionGenetics, part of Exact Sciences
Classification: Uncertain significance for WFS1-related condition. Last evaluated: 2026-04-12. Review status: criteria provided, single submitter. Criteria: ACMG Guidelines, 2015. Collection method: clinical testing. Allele origin: germline.
Comment: The WFS1 c.125G>A variant is predicted to result in the amino acid substitution p.Arg42Gln. To our knowledge, this variant has not been reported in the literature. This variant is reported in 0.0025% of alleles in individuals of European (Non-Finnish) descent in gnomAD. At this time, the clinical significance of this variant is uncertain due to the absence of conclusive functional and genetic evidence.

GeneDx
Classification: Uncertain significance. Last evaluated: 2026-03-31. Review status: criteria provided, single submitter. Criteria: GeneDx Variant Classification Process June 2021. Collection method: clinical testing. Allele origin: germline.
Comment: In silico analysis suggests that this missense variant does not alter protein structure/function; Has not been previously published as pathogenic or benign to our knowledge

Labcorp Genetics (formerly Invitae), Labcorp
Classification: Uncertain significance. Last evaluated: 2025-06-12. Review status: criteria provided, single submitter. Criteria: Invitae Variant Classification Sherloc (09022015). Collection method: clinical testing. Allele origin: germline.
Comment: This sequence change replaces arginine, which is basic and polar, with glutamine, which is neutral and polar, at codon 42 of the WFS1 protein (p.Arg42Gln). The frequency data for this variant in the population databases is considered unreliable, as metrics indicate poor data quality at this position in the gnomAD database. This variant has not been reported in the literature in individuals affected with WFS1-related conditions. ClinVar contains an entry for this variant (Variation ID: 517412). Invitae Evidence Modeling of protein sequence and biophysical properties (such as structural, functional, and spatial information, amino acid conservation, physicochemical variation, residue mobility, and thermodynamic stability) indicates that this missense variant is not expected to disrupt WFS1 protein function with a negative predictive value of 80%. In summary, the available evidence is currently insufficient to determine the role of this variant in disease. Therefore, it has been classified as a Variant of Uncertain Significance.

Laboratory for Molecular Medicine, Mass General Brigham Personalized Medicine
Classification: Likely benign. Last evaluated: 2017-06-20. Review status: criteria provided, single submitter. Criteria: LMM Criteria. Collection method: clinical testing. Allele origin: germline. Observed: 1 variant allele.
Comment: p.Arg42Gln in exon 2 of WFS1: This variant is not expected to have clinical sign ificance due to a lack of conservation across species, including mammals. Of not e, elephant, alpaca, Chinese tree shrew, armadillo and chinchilla have a glutami ne (Gln) at this position. It has been identified in 2/79238 European chromosome s by the Genome Aggregation Database (gnomAD; dbSNP rs750806151).

Clinical Genomics, Uppaluri K&H Personalized Medicine Clinic
Classification: Benign for Wolfram syndrome 1. Review status: criteria provided, single submitter. Criteria: K & H Uppaluri Personalized Medicine Clinic Variant Classification & Assertion Criteria_Updated V.1. Collection method: research. Allele origin: unknown. Inheritance: Autosomal recessive inheritance.
Comment: Potent mutations in WFS1 gene are associated with Wolfram's syndrome, an autosomal recessive condition, which cause diabetes mellitus, diabetes insipidus, deafness and optic atrophy.However no sufficient evidence is found to ascertain the role of this particular variant rs750806151 in Wolfram's syndrome yet.

Literature cited by the submitters: PubMed 20738327 (cited by Clinical Genomics, Uppaluri K&H Personalized Medicine Clinic); PubMed 33879153 (cited by Clinical Genomics, Uppaluri K&H Personalized Medicine Clinic); PubMed 12955714 (cited by Clinical Genomics, Uppaluri K&H Personalized Medicine Clinic); PubMed 18060660 (cited by Clinical Genomics, Uppaluri K&H Personalized Medicine Clinic); PubMed 20301750 (cited by Clinical Genomics, Uppaluri K&H Personalized Medicine Clinic); PubMed 17603484 (cited by Clinical Genomics, Uppaluri K&H Personalized Medicine Clinic).

NM_006005.3(WFS1):c.125G>A (p.Arg42Gln)

Gene: WFS1 (wolframin ER transmembrane glycoprotein; plus strand). Cytogenetic location: 4p16.1.
Variant type: single nucleotide variant.
Coding change: c.125G>A on transcript NM_006005.3 (MANE Select); coding-DNA position 125, G replaced by A.
Protein change: p.Arg42Gln; replaces arginine 42 with glutamine.
Molecular consequence: missense variant.
Genome position (GRCh38, 1-based): chr4:6,277,580, G>A. VCF-style: chr4-6277580-G-A. GRCh37 (hg19) VCF-style: chr4-6279307-G-A.
Other names: c.125G>A, p.Arg42Gln (NM_001145853.1); short protein forms R42Q.
Identifiers: ClinVar variation 517412 (VCV000517412.14), dbSNP rs750806151, ClinGen allele CA2838801.